The following is an entry in ClinVar:

ClinVar aggregate classification (germline): Benign/Likely benign. Review status: criteria provided, multiple submitters, no conflicts (2 of 4 stars). 3 submissions from 3 submitters: Benign (1); Likely benign (2). Last evaluated 2025-09-27.

Conditions:
SBF1-related disorder. Also called: SBF1-related condition.
Tip-toe gait. Also called: Toe walking. Identifiers: MedGen C0427144, HP:0030051.

Allele frequency attached by ClinVar (database versions not stated): 1000 Genomes Project 30x 0.00141; 1000 Genomes Project 0.00160.
gnomAD v4.1: 282 of 1,613,854 alleles (0.017%); highest among the groups gnomAD compares: South Asian, 0.29%; 4 homozygotes.

Submissions (3):

PreventionGenetics, part of Exact Sciences
Classification: Likely benign for SBF1-related condition. Last evaluated: 2025-09-27. Review status: criteria provided, single submitter. Criteria: ACMG Guidelines, 2015. Collection method: clinical testing. Allele origin: germline.
Comment: This variant is classified as likely benign based on ACMG/AMP sequence variant interpretation guidelines (Richards et al. 2015 PMID: 25741868, with internal and published modifications).

Labcorp Genetics (formerly Invitae), Labcorp
Classification: Likely benign. Last evaluated: 2023-11-21. Review status: criteria provided, single submitter. Criteria: Invitae Variant Classification Sherloc (09022015). Collection method: clinical testing. Allele origin: germline.

Practice for Gait Abnormalities, David Pomarino, Competency Network Toe Walking C/o Practice Pomarino
Classification: Benign for Tip-toe gait. Last evaluated: 2022-03-21. Review status: criteria provided, single submitter. Criteria: Pomarino et al. (Glob Med Genet. 2026). Collection method: clinical testing. Allele origin: germline. Affected: yes.

NM_002972.4(SBF1):c.919C>G (p.Leu307Val)

Gene: SBF1 (SET binding factor 1; minus strand). Cytogenetic location: 22q13.33.
Variant type: single nucleotide variant.
Coding change: c.919C>G on transcript NM_002972.4 (MANE Select); coding-DNA position 919, C replaced by G.
Protein change: p.Leu307Val; replaces leucine 307 with valine.
Molecular consequence: missense variant.
Genome position (GRCh38, 1-based): chr22:50,466,053, G>C on the plus strand (C>G on the coding strand, the complement: SBF1 is on the minus strand). VCF-style: chr22-50466053-G-C. GRCh37 (hg19) VCF-style: chr22-50904482-G-C.
Other names: c.922C>G, p.Leu308Val (NM_001365819.1, NM_001410794.1); c.919C>G, p.Leu307Val (NM_001410795.1, NM_197971.1); c.919C>G (NM_002972.3); short protein forms L308V, L307V.
Identifiers: ClinVar variation 2165629 (VCV002165629.6), dbSNP rs564047488, ClinGen allele CA10317908.